The following is an entry in ClinVar:

ClinVar aggregate classification (germline): Uncertain significance (1 of 4 stars; one submission).

Conditions:
Familial adenomatous polyposis 1 (FAP1). Also called: FAMILIAL ADENOMATOUS POLYPOSIS 1, ATTENUATED; POLYPOSIS, ADENOMATOUS INTESTINAL. Identifiers: MedGen C2713442, MONDO:0021056, OMIM 175100. Disease mechanism: loss of function.

Submission:

Labcorp Genetics (formerly Invitae), Labcorp
Classification: Uncertain significance for Familial adenomatous polyposis 1. Last evaluated: 2022-10-12. Review status: criteria provided, single submitter. Criteria: Invitae Variant Classification Sherloc (09022015). Collection method: clinical testing. Allele origin: germline.
Comment: This variant is not present in population databases (gnomAD no frequency). This sequence change replaces lysine, which is basic and polar, with asparagine, which is neutral and polar, at codon 1030 of the APC protein (p.Lys1030Asn). In summary, the available evidence is currently insufficient to determine the role of this variant in disease. Therefore, it has been classified as a Variant of Uncertain Significance. Advanced modeling of protein sequence and biophysical properties (such as structural, functional, and spatial information, amino acid conservation, physicochemical variation, residue mobility, and thermodynamic stability) performed at Invitae indicates that this missense variant is not expected to disrupt APC protein function. This variant has not been reported in the literature in individuals affected with APC-related conditions.

NM_000038.6(APC):c.3090A>T (p.Lys1030Asn)

Gene: APC (APC regulator of Wnt signaling pathway; plus strand). Cytogenetic location: 5q22.2.
Variant type: single nucleotide variant.
Coding change: c.3090A>T on transcript NM_000038.6 (MANE Select); coding-DNA position 3090, A replaced by T.
Protein change: p.Lys1030Asn; replaces lysine 1030 with asparagine.
Molecular consequence: missense variant.
Genome position (GRCh38, 1-based): chr5:112,838,684, A>T. VCF-style: chr5-112838684-A-T. GRCh37 (hg19) VCF-style: chr5-112174381-A-T.
Other names: c.3144A>T, p.Lys1048Asn (NM_001354896.2, NM_001407447.1, NM_001407448.1 and 1 more transcripts); c.3120A>T, p.Lys1040Asn (NM_001354897.2); c.3015A>T, p.Lys1005Asn (NM_001354898.2); c.3006A>T, p.Lys1002Asn (NM_001354899.2); c.2967A>T, p.Lys989Asn (NM_001354900.2); c.2913A>T, p.Lys971Asn (NM_001354901.2, NM_001407453.1); c.2817A>T, p.Lys939Asn (NM_001354902.2); c.2787A>T, p.Lys929Asn (NM_001354903.2, NM_001407458.1, NM_001407459.1 and 1 more transcripts); and 11 more; short protein forms K1002N, K1005N, K1012N, K1020N, K1023N, K1030N, K1040N, K1048N.
Identifiers: ClinVar variation 1721460 (VCV001721460.6), dbSNP rs2149884106, ClinGen allele CA16028100.